The following is an entry in ClinVar:

NM_203447.4(DOCK8):c.1060del (p.Gln354fs)

Gene: DOCK8 (dedicator of cytokinesis 8; plus strand). Cytogenetic location: 9p24.3.
Variant type: Deletion.
Coding change: c.1060del on transcript NM_203447.4 (MANE Select); coding-DNA position 1060, one base deleted (C; older notation c.1060delC).
Protein change: p.Gln354fs; shifts the reading frame from glutamine 354.
Molecular consequence: frameshift variant.
Genome position (GRCh38, 1-based): chr9:332,413, C deleted. VCF-style (leftmost placement, unchanged base first): chr9-332412-GC-G. GRCh37 (hg19) VCF-style: chr9-332412-GC-G.
Other names: c.1060delC (NM_203447.4); c.856del, p.Gln286fs (NM_001190458.2, NM_001193536.2); short protein forms Q286fs, Q354fs.
Identifiers: ClinVar variation 4845696 (VCV004845696.1).

ClinVar aggregate classification (germline): Likely pathogenic (1 of 4 stars; one submission).

Conditions:
Combined immunodeficiency due to DOCK8 deficiency (HIES2). Also called: HIES autosomal recessive; HYPER-IgE SYNDROME 2, AUTOSOMAL RECESSIVE, WITH RECURRENT INFECTIONS; HYPER-IgE RECURRENT INFECTION SYNDROME 2, AUTOSOMAL RECESSIVE; DOCK8 Deficiency; Hyper-IgE recurrent infection syndrome, autosomal recessive. Identifiers: Orphanet 217390, MedGen C4722305, MONDO:0009478, OMIM 243700.

Submission:

First Genomix Gene Laboratory, Genetic Diagnostics Department
Classification: Likely pathogenic for Combined immunodeficiency due to DOCK8 deficiency. Last evaluated: 2025-01-17. Review status: criteria provided, single submitter. Criteria: ACMG Guidelines, 2015. Collection method: clinical testing. Allele origin: germline. Inheritance: Autosomal recessive inheritance. Affected: no. Observed: 1 variant allele.